The following is an entry in ClinVar:

ClinVar aggregate classification (germline): Likely benign (1 of 4 stars; one submission).

Submission:

CeGaT Center for Human Genetics Tuebingen
Classification: Likely benign. Last evaluated: 2026-02-01. Review status: criteria provided, single submitter. Criteria: CeGaT Center For Human Genetics Tuebingen Variant Classification Criteria Version 2. Collection method: clinical testing. Allele origin: germline. Affected: yes. Observed: 2 variant alleles.
Comment: INTS11: BP4, BP7

NM_017871.6(INTS11):c.1359C>T (p.Pro453=)

Gene: INTS11 (integrator complex subunit 11; minus strand). Cytogenetic location: 1p36.33.
Variant type: single nucleotide variant.
Coding change: c.1359C>T on transcript NM_017871.6 (MANE Select); coding-DNA position 1359, C replaced by T.
Protein change: p.Pro453=; no amino-acid change (proline 453 retained).
Molecular consequence: synonymous variant.
Genome position (GRCh38, 1-based): chr1:1,312,636, G>A on the plus strand (C>T on the coding strand, the complement: INTS11 is on the minus strand). VCF-style: chr1-1312636-G-A. GRCh37 (hg19) VCF-style: chr1-1248016-G-A.
Other names: c.1377C>T, p.Pro459= (NM_001256456.2); c.1272C>T, p.Pro424= (NM_001256460.2); c.1065C>T, p.Pro355= (NM_001256462.2); c.1056C>T, p.Pro352= (NM_001256463.2).
Identifiers: ClinVar variation 3898182 (VCV003898182.7).